The following is an entry in ClinVar:

NM_000037.4(ANK1):c.3115+1G>T

Gene: ANK1 (ankyrin 1; minus strand). Cytogenetic location: 8p11.21.
Variant type: single nucleotide variant.
Coding change: c.3115+1G>T on transcript NM_000037.4 (MANE Select); the canonical splice donor site of the intron after coding-DNA position 3115, G replaced by T.
Molecular consequence: splice donor variant.
Genome position (GRCh38, 1-based): chr8:41,695,176, C>A on the plus strand (G>T on the coding strand, the complement: ANK1 is on the minus strand). VCF-style: chr8-41695176-C-A. GRCh37 (hg19) VCF-style: chr8-41552694-C-A.
Other names: p.?; c.3238+1G>T (NM_001142446.2); c.3115+1G>T (NM_020477.3, NM_020475.3, NM_020476.3).
Identifiers: ClinVar variation 4541362 (VCV004541362.2).
Genomic context (GRCh38, chr8:41,695,176, plus strand): 5'-GTGCAACTCAAACCCCTCTTCCGCAAGGAGGGGACCCAGCCCTGGGATCCCCCGCCCCTA[C>A]CTTCGTCCATCCCGTTGAGGATCTGATCCAGGTAGCTCTCTCCATAGCGGCTCCTGTGCT-3'

ClinVar aggregate classification (germline): Likely pathogenic. Review status: criteria provided, multiple submitters, no conflicts (2 of 4 stars). 2 submissions from 2 submitters: Likely pathogenic (2). Last evaluated 2025-05-23.

Conditions:
Hereditary spherocytosis type 1. Also called: Spherocytosis type 1; ANK1-Related Spherocytosis. Identifiers: Orphanet 822, MedGen C2674218, MONDO:0008447, OMIM 182900.

Submissions (2):

ARUP Laboratories, Molecular Genetics and Genomics, ARUP Laboratories
Classification: Likely pathogenic for Hereditary spherocytosis type 1. Last evaluated: 2025-05-23. Review status: criteria provided, single submitter. Criteria: ARUP Molecular Germline Variant Investigation Process 2024. Collection method: clinical testing. Allele origin: germline.
Comment: The ANK1 c.3115+1G>T variant, to our knowledge, is not reported in the medical literature or gene specific databases. This variant is also absent from the Genome Aggregation Database (v2.1.1), indicating it is not a common polymorphism. This variant disrupts the canonical splice donor site of intron 27, which is likely to negatively impact gene function. Based on available information, this variant is considered to be likely pathogenic.

Mayo Clinic Laboratories, Mayo Clinic
Classification: Likely pathogenic. Last evaluated: 2025-05-17. Review status: criteria provided, single submitter. Criteria: ACMG Guidelines, 2015. Collection method: clinical testing. Allele origin: germline. Observed: 1 variant allele.
Comment: PM2_supporting, PVS1